The following is an entry in ClinVar:

NM_001374385.1(ATP8B1):c.1014C>T (p.Asn338=)

Genes: ATP8B1 (ATPase phospholipid transporting 8B1; minus strand), LOC126862761 (CDK7 strongly-dependent group 2 enhancer GRCh37_chr18:55360919-55362118; plus strand). Cytogenetic location: 18q21.31.
Variant type: single nucleotide variant.
Coding change: c.1014C>T on transcript NM_001374385.1 (MANE Select); coding-DNA position 1014, C replaced by T.
Protein change: p.Asn338=; no amino-acid change (asparagine 338 retained).
Molecular consequence: synonymous variant.
Genome position (GRCh38, 1-based): chr18:57,694,597, G>A on the plus strand (C>T on the coding strand, the complement: ATP8B1 is on the minus strand). VCF-style: chr18-57694597-G-A. GRCh37 (hg19) VCF-style: chr18-55361829-G-A.
Other names: c.864C>T, p.Asn288= (NM_001374386.1); c.1014C>T, p.Asn338= (NM_005603.6).
Identifiers: ClinVar variation 386015 (VCV000386015.45), dbSNP rs145750280, ClinGen allele CA8974681.

ClinVar aggregate classification (germline): Conflicting classifications of pathogenicity. Review status: criteria provided, conflicting classifications (1 of 4 stars). 8 submissions from 8 submitters: Uncertain significance (2); Benign (1); Likely benign (4). 1 of the submissions does not count toward it. Last evaluated 2026-04-14.

Conditions:
Familial intrahepatic cholestasis. Identifiers: Orphanet 284385, MedGen CN296401, MONDO:0017290.
ATP8B1-related disorder. Also called: ATP8B1-related condition; ATP8B1-related disorders.
Progressive familial intrahepatic cholestasis type 1. Also called: Severe ATP8B1 Deficiency (Progressive Familial Intrahepatic Cholestasis Type 1 [PFIC1]); BYLER DISEASE; Byler's disease. Identifiers: Orphanet 79306, MedGen C4551898, MONDO:0008892, OMIM 211600.

Allele frequency attached by ClinVar (database versions not stated): 1000 Genomes Project 30x 0.00016; 1000 Genomes Project 0.00020; ESP Exome Variant Server 0.00038; TOPMed 0.00046; gnomAD exomes 0.00061 and 0.00097; ExAC 0.00087; gnomAD 0.00106 and 0.00111.
gnomAD v4.1: 1,010 of 1,572,828 alleles (0.064%); highest among the groups gnomAD compares: Non-Finnish European, 0.052%; 2 homozygotes.

Submissions (8):

Genomenon, Inc
Classification: Likely benign for Familial intrahepatic cholestasis. Last evaluated: 2026-04-14. Review status: criteria provided, single submitter. Criteria: Genomenon Sequence Variant Interpretation Standards - Updated. Collection method: curation. Allele origin: germline. Affected: no.
Comment: ATP8B1 c.1014C>T is a synonymous variant that retains Asparagine at residue 338. This variant has been reported in the published literature (PMID:15657619). This variant’s allele frequency in gnomAD is greater than expected for this disorder. In conclusion, we classify ATP8B1 p.Asn338= (c.1014C>T) as a likely benign variant.

Labcorp Genetics (formerly Invitae), Labcorp
Classification: Benign. Last evaluated: 2026-01-13. Review status: criteria provided, single submitter. Criteria: Invitae Variant Classification Sherloc (09022015). Collection method: clinical testing. Allele origin: germline.

Blueprint Genetics
Classification: Likely benign. Last evaluated: 2024-11-22. Review status: criteria provided, single submitter. Criteria: ACMG Guidelines, 2015. Collection method: clinical testing. Allele origin: germline.

CeGaT Center for Human Genetics Tuebingen
Classification: Likely benign. Last evaluated: 2024-11-01. Review status: criteria provided, single submitter. Criteria: CeGaT Center For Human Genetics Tuebingen Variant Classification Criteria Version 2. Collection method: clinical testing. Allele origin: germline. Affected: yes. Observed: 2 variant alleles.
Comment: ATP8B1: BP4, BP7

Eurofins Ntd Llc (ga)
Classification: Uncertain significance. Last evaluated: 2018-04-26. Review status: criteria provided, single submitter. Criteria: EGL ClinVar v180209 classification definitions. Collection method: clinical testing. Allele origin: germline. Observed: 4 variant alleles, 4 heterozygotes.

GeneDx
Classification: Likely benign. Last evaluated: 2017-10-05. Review status: criteria provided, single submitter. Criteria: GeneDx Variant Classification (06012015). Collection method: clinical testing. Allele origin: germline. Affected: yes.
Comment: This variant is considered likely benign or benign based on one or more of the following criteria: it is a conservative change, it occurs at a poorly conserved position in the protein, it is predicted to be benign by multiple in silico algorithms, and/or has population frequency not consistent with disease.

Illumina Laboratory Services, Illumina
Classification: Uncertain significance for Progressive familial intrahepatic cholestasis type 1. Last evaluated: 2017-04-27. Review status: criteria provided, single submitter. Criteria: ICSL Variant Classification Criteria 13 December 2019. Collection method: clinical testing. Allele origin: germline.

PreventionGenetics, part of Exact Sciences
Classification: Likely benign for ATP8B1-related condition. Last evaluated: 2019-05-01. Review status: no assertion criteria provided. Collection method: clinical testing. Allele origin: germline. Not counted in ClinVar's aggregate classification.
Comment: This variant is classified as likely benign based on ACMG/AMP sequence variant interpretation guidelines (Richards et al. 2015 PMID: 25741868, with internal and published modifications).

Literature cited by the submitters: PubMed 15657619 (cited by Genomenon, Inc).